The following is an entry in ClinVar:

NM_018062.4(FANCL):c.676C>T (p.Arg226Cys)

Gene: FANCL (FA complementation group L; minus strand). Cytogenetic location: 2p16.1.
Variant type: single nucleotide variant.
Coding change: c.676C>T on transcript NM_018062.4 (MANE Select); coding-DNA position 676, C replaced by T.
Protein change: p.Arg226Cys; replaces arginine 226 with cysteine.
Molecular consequence: missense variant.
Genome position (GRCh38, 1-based): chr2:58,165,739, G>A on the plus strand (C>T on the coding strand, the complement: FANCL is on the minus strand). VCF-style: chr2-58165739-G-A. GRCh37 (hg19) VCF-style: chr2-58392874-G-A.
Other names: c.691C>T, p.Arg231Cys (NM_001114636.2); c.721C>T, p.Arg241Cys (NM_001374615.1); c.736C>T, p.Arg246Cys (NM_001410792.1); short protein forms R231C, R241C, R246C, R226C.
Identifiers: ClinVar variation 2175210 (VCV002175210.1), dbSNP rs769425665, ClinGen allele CA1670525.
Genomic context (GRCh38, chr2:58,165,739, plus strand): 5'-AAATAAAACACCTAAAAACAAACCCTTAATCCTCCTTGTCCCTACCTAATGCAATTCTGC[G>A]TGCTGTTGCACTCCGTGGAGGTTTTTCTGGCTCAAGTACCCAGGTCTTCTCATCGATTTC-3'
Protein context (NP_060532.2, residues 216-236): PEKPPRSATA[Arg226Cys]RIALGNNVSI

ClinVar aggregate classification (germline): Uncertain significance (1 of 4 stars; one submission).

Conditions:
Fanconi anemia (FA). Also called: Fanconi's anemia. Identifiers: Orphanet 84, MedGen C0015625, MeSH D005199, MONDO:0019391.

Allele frequency attached by ClinVar (database versions not stated): gnomAD 0.00001; TOPMed 0.00001; ExAC 0.00002.

Submission:

Labcorp Genetics (formerly Invitae), Labcorp
Classification: Uncertain significance for Fanconi anemia. Last evaluated: 2022-06-02. Review status: criteria provided, single submitter. Criteria: Invitae Variant Classification Sherloc (09022015). Collection method: clinical testing. Allele origin: germline.
Comment: This sequence change replaces arginine, which is basic and polar, with cysteine, which is neutral and slightly polar, at codon 226 of the FANCL protein (p.Arg226Cys). This variant is present in population databases (rs769425665, gnomAD 0.01%). This missense change has been observed in individual(s) with Fanconi anemia (PMID: 26740942). Algorithms developed to predict the effect of missense changes on protein structure and function (SIFT, PolyPhen-2, Align-GVGD) all suggest that this variant is likely to be disruptive. In summary, the available evidence is currently insufficient to determine the role of this variant in disease. Therefore, it has been classified as a Variant of Uncertain Significance.

Literature cited by the submitters: PubMed 26740942.